The following is an entry in ClinVar:

ClinVar aggregate classification (germline): Uncertain significance. Review status: criteria provided, multiple submitters, no conflicts (2 of 4 stars). 2 submissions from 2 submitters: Uncertain significance (2). Last evaluated 2025-09-02.

Allele frequency attached by ClinVar (database versions not stated): ExAC 0.00002; gnomAD exomes 0.00002; TOPMed 0.00002.
gnomAD v4.1: 11 of 1,614,164 alleles (0.00068%); highest among the groups gnomAD compares: Admixed American, 0.018%; no homozygotes.

Submissions (2):

Labcorp Genetics (formerly Invitae), Labcorp
Classification: Uncertain significance. Last evaluated: 2025-09-02. Review status: criteria provided, single submitter. Criteria: Invitae Variant Classification Sherloc (09022015). Collection method: clinical testing. Allele origin: germline.
Comment: This sequence change replaces proline, which is neutral and non-polar, with serine, which is neutral and polar, at codon 275 of the MICAL1 protein (p.Pro275Ser). This variant is present in population databases (rs771902129, gnomAD 0.03%). This variant has not been reported in the literature in individuals affected with MICAL1-related conditions. ClinVar contains an entry for this variant (Variation ID: 2193301). An algorithm developed to predict the effect of missense changes on protein structure and function (PolyPhen-2) suggests that this variant is likely to be tolerated. In summary, the available evidence is currently insufficient to determine the role of this variant in disease. Therefore, it has been classified as a Variant of Uncertain Significance.

Ambry Genetics
Classification: Uncertain significance. Last evaluated: 2021-11-22. Review status: criteria provided, single submitter. Criteria: Ambry Variant Classification Scheme 2023. Collection method: clinical testing. Allele origin: germline.

NM_022765.4(MICAL1):c.766C>T (p.Pro256Ser)

Gene: MICAL1 (microtubule associated monooxygenase, calponin and LIM domain containing 1; minus strand). Cytogenetic location: 6q21.
Variant type: single nucleotide variant.
Coding change: c.766C>T on transcript NM_022765.4 (MANE Select); coding-DNA position 766, C replaced by T.
Protein change: p.Pro256Ser; replaces proline 256 with serine.
Molecular consequence: missense variant.
Genome position (GRCh38, 1-based): chr6:109,452,312, G>A on the plus strand (C>T on the coding strand, the complement: MICAL1 is on the minus strand). VCF-style: chr6-109452312-G-A. GRCh37 (hg19) VCF-style: chr6-109773515-G-A.
Other names: c.766C>T, p.Pro256Ser (NM_001159291.2); c.823C>T, p.Pro275Ser (NM_001286613.2); c.766C>T (NM_022765.3); short protein forms P256S, P275S.
Identifiers: ClinVar variation 2193301 (VCV002193301.5), dbSNP rs771902129, ClinGen allele CA3953631.